The following is an entry in ClinVar:

NM_000051.4(ATM):c.6988C>A (p.Leu2330Ile)

Genes: C11orf65 (chromosome 11 open reading frame 65; minus strand), ATM (ATM serine/threonine kinase; plus strand). Cytogenetic location: 11q22.3.
Variant type: single nucleotide variant.
Coding change: c.6988C>A on transcript NM_000051.4 (MANE Select); coding-DNA position 6988, C replaced by A.
Protein change: p.Leu2330Ile; replaces leucine 2330 with isoleucine.
Molecular consequence: missense variant. On other transcripts: intron variant (2).
Genome position (GRCh38, 1-based): chr11:108,327,657, C>A. VCF-style: chr11-108327657-C-A. GRCh37 (hg19) VCF-style: chr11-108198384-C-A.
Other names: c.6988C>A, p.Leu2330Ile (NM_001351834.2); c.641-18586G>T (NM_001330368.2); c.*38+7563G>T (NM_001351110.2); short protein forms L2330I.
Identifiers: ClinVar variation 3646523 (VCV003646523.2).

ClinVar aggregate classification (germline): Uncertain significance (1 of 4 stars; one submission).

Conditions:
Ataxia-telangiectasia syndrome (AT). Also called: Ataxia-telangiectasia, complementation group D; AT, COMPLEMENTATION GROUP C; ATAXIA-TELANGIECTASIA, COMPLEMENTATION GROUP A; ATAXIA-TELANGIECTASIA, FRESNO VARIANT; Ataxia-telangiectasia; Ataxia-telangiectasia, complementation group E. Identifiers: Orphanet 100, MedGen C0004135, MONDO:0008840, OMIM 208900.

Submission:

Labcorp Genetics (formerly Invitae), Labcorp
Classification: Uncertain significance for Ataxia-telangiectasia syndrome. Last evaluated: 2024-03-18. Review status: criteria provided, single submitter. Criteria: Invitae Variant Classification Sherloc (09022015). Collection method: clinical testing. Allele origin: germline.
Comment: This sequence change replaces leucine, which is neutral and non-polar, with isoleucine, which is neutral and non-polar, at codon 2330 of the ATM protein (p.Leu2330Ile). This variant is not present in population databases (gnomAD no frequency). This variant has not been reported in the literature in individuals affected with ATM-related conditions. An algorithm developed to predict the effect of missense changes on protein structure and function (PolyPhen-2) suggests that this variant is likely to be tolerated. In summary, the available evidence is currently insufficient to determine the role of this variant in disease. Therefore, it has been classified as a Variant of Uncertain Significance.